The following is an entry in ClinVar:

ClinVar aggregate classification (germline): Uncertain significance. Review status: criteria provided, multiple submitters, no conflicts (2 of 4 stars). 2 submissions from 2 submitters: Uncertain significance (2). Last evaluated 2026-06-24.

Conditions:
SYNE2-related disorder. Also called: SYNE2-related condition.

gnomAD v4.1: 34 of 1,613,174 alleles (0.0021%); highest among the groups gnomAD compares: African/African-American, 0.008%; no homozygotes.

Submissions (2):

PreventionGenetics, part of Exact Sciences
Classification: Uncertain significance for SYNE2-related condition. Last evaluated: 2026-06-24. Review status: criteria provided, single submitter. Criteria: ACMG Guidelines, 2015. Collection method: clinical testing. Allele origin: germline.
Comment: The SYNE2 c.8992G>T variant is predicted to result in the amino acid substitution p.Val2998Leu. To our knowledge, this variant has not been reported in the literature. This variant is reported in 0.0083% of alleles in individuals of African descent in gnomAD. At this time, the clinical significance of this variant is uncertain due to the absence of conclusive functional and genetic evidence.

Ambry Genetics
Classification: Uncertain significance. Last evaluated: 2024-10-03. Review status: criteria provided, single submitter. Criteria: Ambry Variant Classification Scheme 2023. Collection method: clinical testing. Allele origin: germline.

NM_182914.3(SYNE2):c.8992G>T (p.Val2998Leu)

Gene: SYNE2 (spectrin repeat containing nuclear envelope protein 2; plus strand). Cytogenetic location: 14q23.2.
Variant type: single nucleotide variant.
Coding change: c.8992G>T on transcript NM_182914.3 (MANE Select); coding-DNA position 8992, G replaced by T.
Protein change: p.Val2998Leu; replaces valine 2998 with leucine.
Molecular consequence: missense variant.
Genome position (GRCh38, 1-based): chr14:64,052,905, G>T. VCF-style: chr14-64052905-G-T. GRCh37 (hg19) VCF-style: chr14-64519623-G-T.
Other names: c.8992G>T, p.Val2998Leu (NM_015180.6); short protein forms V2998L.
Identifiers: ClinVar variation 3451877 (VCV003451877.2).